The following is an entry in ClinVar:

ClinVar aggregate classification (germline): Uncertain significance (1 of 4 stars; one submission).

Allele frequency attached by ClinVar (database versions not stated): gnomAD exomes below 0.00001; ExAC 0.00001.

Submission:

Labcorp Genetics (formerly Invitae), Labcorp
Classification: Uncertain significance. Last evaluated: 2022-06-13. Review status: criteria provided, single submitter. Criteria: Invitae Variant Classification Sherloc (09022015). Collection method: clinical testing. Allele origin: germline.
Comment: This sequence change replaces aspartic acid, which is acidic and polar, with glutamic acid, which is acidic and polar, at codon 328 of the TPP1 protein (p.Asp328Glu). This variant is present in population databases (rs781773805, gnomAD 0.003%). This variant has not been reported in the literature in individuals affected with TPP1-related conditions. Advanced modeling of protein sequence and biophysical properties (such as structural, functional, and spatial information, amino acid conservation, physicochemical variation, residue mobility, and thermodynamic stability) performed at Invitae indicates that this missense variant is not expected to disrupt TPP1 protein function. In summary, the available evidence is currently insufficient to determine the role of this variant in disease. Therefore, it has been classified as a Variant of Uncertain Significance.

NM_000391.4(TPP1):c.984T>A (p.Asp328Glu)

Gene: TPP1 (tripeptidyl peptidase 1; minus strand). Cytogenetic location: 11p15.4.
Variant type: single nucleotide variant.
Coding change: c.984T>A on transcript NM_000391.4 (MANE Select); coding-DNA position 984, T replaced by A.
Protein change: p.Asp328Glu; replaces aspartic acid 328 with glutamic acid.
Molecular consequence: missense variant.
Genome position (GRCh38, 1-based): chr11:6,616,406, A>T on the plus strand (T>A on the coding strand, the complement: TPP1 is on the minus strand). VCF-style: chr11-6616406-A-T. GRCh37 (hg19) VCF-style: chr11-6637637-A-T.
Other names: short protein forms D328E.
Identifiers: ClinVar variation 1969048 (VCV001969048.2), dbSNP rs781773805, ClinGen allele CA5858796.
Genomic context (GRCh38, chr11:6,616,406, plus strand): 5'-GGCAGCCTTCATGAGCTCAGTGTTGACCCGCTGGATGTAGGCGCTGCTGAGGGAGTCCTC[A>T]TCATCTCCATAGCTCACAGTATGCACATGTGGCAGGGCTGACTCATTACTGAGCAGCATG-3'
Protein context (NP_000382.3, residues 318-338): PHVHTVSYGD[Asp328Glu]EDSLSSAYIQ